The following is an entry in ClinVar:

NM_001329943.3(KIAA0586):c.4156G>T (p.Asp1386Tyr)

Gene: KIAA0586 (KIAA0586; plus strand). Cytogenetic location: 14q23.1.
Variant type: single nucleotide variant.
Coding change: c.4156G>T on transcript NM_001329943.3 (MANE Select); coding-DNA position 4156, G replaced by T.
Protein change: p.Asp1386Tyr; replaces aspartic acid 1386 with tyrosine.
Molecular consequence: missense variant.
Genome position (GRCh38, 1-based): chr14:58,498,948, G>T. VCF-style: chr14-58498948-G-T. GRCh37 (hg19) VCF-style: chr14-58965666-G-T.
Other names: c.4156G>T, p.Asp1386Tyr (NM_001329946.2, NM_001329944.2); c.4024G>T, p.Asp1342Tyr (NM_001329947.2, NM_001244192.2); c.3901G>T, p.Asp1301Tyr (NM_001364700.1, NM_001364701.2, NM_001244191.2 and 1 more transcripts); c.3928G>T, p.Asp1310Tyr (NM_014749.5); c.4315G>T, p.Asp1439Tyr (NM_001244189.2); c.4111G>T, p.Asp1371Tyr (NM_001244190.2); c.3736G>T, p.Asp1246Tyr (NM_001244193.2); short protein forms D1246Y, D1301Y, D1371Y, D1439Y, D1386Y, D1310Y, D1342Y.
Identifiers: ClinVar variation 1478624 (VCV001478624.8), dbSNP rs2141310739, ClinGen allele CA389885832.

ClinVar aggregate classification (germline): Uncertain significance (1 of 4 stars; one submission).

Conditions:
Joubert syndrome 23 (JBTS23). Identifiers: Orphanet 475, MedGen C4084822, MONDO:0014664, OMIM 616490.
Short-rib thoracic dysplasia 14 with polydactyly (SRTD14). Identifiers: Orphanet 397715, MedGen C4225286, MONDO:0014688, OMIM 616546.

Allele frequency attached by ClinVar (database versions not stated): gnomAD exomes below 0.00001.
gnomAD v4.1: 1 of 1,601,624 alleles (0.000062%); highest among the groups gnomAD compares: South Asian, 0.0011%; no homozygotes.

Submission:

Labcorp Genetics (formerly Invitae), Labcorp
Classification: Uncertain significance for Joubert syndrome 23; Short-rib thoracic dysplasia 14 with polydactyly. Last evaluated: 2025-12-15. Review status: criteria provided, single submitter. Criteria: Invitae Variant Classification Sherloc (09022015). Collection method: clinical testing. Allele origin: germline.
Comment: This sequence change replaces aspartic acid, which is acidic and polar, with tyrosine, which is neutral and polar, at codon 1439 of the KIAA0586 protein (p.Asp1439Tyr). This variant is not present in population databases (gnomAD no frequency). This variant has not been reported in the literature in individuals affected with KIAA0586-related conditions. ClinVar contains an entry for this variant (Variation ID: 1478624). Invitae Evidence Modeling of protein sequence and biophysical properties (such as structural, functional, and spatial information, amino acid conservation, physicochemical variation, residue mobility, and thermodynamic stability) indicates that this missense variant is not expected to disrupt KIAA0586 protein function with a negative predictive value of 80%. In summary, the available evidence is currently insufficient to determine the role of this variant in disease. Therefore, it has been classified as a Variant of Uncertain Significance.